The following is an entry in ClinVar:

NM_001358921.2(COQ2):c.290T>C (p.Ile97Thr)

Gene: COQ2 (coenzyme Q2, polyprenyltransferase; minus strand). Cytogenetic location: 4q21.23.
Variant type: single nucleotide variant.
Coding change: c.290T>C on transcript NM_001358921.2 (MANE Select); coding-DNA position 290, T replaced by C.
Protein change: p.Ile97Thr; replaces isoleucine 97 with threonine.
Molecular consequence: missense variant.
Genome position (GRCh38, 1-based): chr4:83,279,078, A>G on the plus strand (T>C on the coding strand, the complement: COQ2 is on the minus strand). VCF-style: chr4-83279078-A-G. GRCh37 (hg19) VCF-style: chr4-84200231-A-G.
Other names: c.440T>C (NM_015697.7, NM_015697.8); c.440T>C, p.Ile147Thr (NM_015697.9); short protein forms I147T, I97T.
Identifiers: ClinVar variation 3591261 (VCV003591261.2).
Genomic context (GRCh38, chr4:83,279,078, plus strand): 5'-GTGCCAAAGAGGGAGAGCATGTACCAATCTGGAAAACAACCTGGTTCAGCTGCCAAACCA[A>G]TGCTCCAGGTACATGGTAAATACAGAAGCCAGGTTCCTAAGCAAAAATAAAAAGACAAAA-3'
Protein context (NP_001345850.1, residues 87-107): WLLYLPCTWS[Ile97Thr]GLAAEPGCFP

ClinVar aggregate classification (germline): Uncertain significance. Review status: criteria provided, multiple submitters, no conflicts (2 of 4 stars). 2 submissions from 2 submitters: Uncertain significance (2). Last evaluated 2024-11-04.

Conditions:
Multiple system atrophy 1, susceptibility to. Also called: MSA1, SUSCEPTIBILITY TO. Identifiers: MedGen C3714927, MONDO:0020715, OMIM 146500.
Coenzyme Q10 deficiency, primary, 1. Also called: UBIQUINONE DEFICIENCY 1; COENZYME Q DEFICIENCY 1; CoQ DEFICIENCY 1. Identifiers: Orphanet 255249, MedGen C3551954, MONDO:0011829, OMIM 607426.
COQ2-related disorder. Also called: COQ2-related condition.

gnomAD v4.1: 4 of 1,592,750 alleles (0.00025%); highest among the groups gnomAD compares: Admixed American, 0.0018%; no homozygotes.

Submissions (2):

PreventionGenetics, part of Exact Sciences
Classification: Uncertain significance for COQ2-related condition. Last evaluated: 2024-11-04. Review status: criteria provided, single submitter. Criteria: ACMG Guidelines, 2015. Collection method: clinical testing. Allele origin: germline.
Comment: The COQ2 c.440T>C variant is predicted to result in the amino acid substitution p.Ile147Thr. This variant was reported in a heterozygous state in an individual with multiple system atrophy along with a second heterozygous variant in COQ2 (Mitsui et al. 2013. PubMed ID: 23758206). This variant has not been reported in a large population database (gnomAD), indicating this variant is rare. At this time, the clinical significance of this variant is uncertain due to the absence of conclusive functional and genetic evidence.

Fulgent Genetics
Classification: Uncertain significance for Multiple system atrophy 1, susceptibility to; Coenzyme Q10 deficiency, primary, 1. Last evaluated: 2024-05-21. Review status: criteria provided, single submitter. Criteria: ACMG Guidelines, 2015. Collection method: clinical testing. Allele origin: germline.